The following is an entry in ClinVar:

NM_001267550.2(TTN):c.56675_56676del (p.Thr18892fs)

Genes: TTN-AS1 (TTN antisense RNA 1; plus strand), TTN (titin; minus strand). Cytogenetic location: 2q31.2.
Variant type: Deletion.
Coding change: c.56675_56676del on transcript NM_001267550.2 (MANE Select); coding-DNA positions 56675 to 56676, 2 bases deleted (CA; older notation c.56675_56676delCA).
Protein change: p.Thr18892fs; shifts the reading frame from threonine 18892.
Molecular consequence: frameshift variant.
Genome position (GRCh38, 1-based): chr2:178,599,034-178,599,035, TG deleted on the plus strand (CA on the coding strand, the reverse complement: TTN is on the minus strand); deleting any 2 consecutive bases within chr2:178,599,034-178,599,036 gives the same sequence; the c. name uses the placement nearest the transcript's 3' end. VCF-style (leftmost placement, unchanged base first): chr2-178599033-CTG-C. GRCh37 (hg19) VCF-style: chr2-179463760-CTG-C.
Other names: c.51752_51753del, p.Thr17251fs (NM_001256850.1); c.29480_29481del, p.Thr9827fs (NM_003319.4); c.48971_48972del, p.Thr16324fs (NM_133378.4); c.29855_29856del, p.Thr9952fs (NM_133432.3); c.30056_30057del, p.Thr10019fs (NM_133437.4); short protein forms T10019fs, T16324fs, T17251fs, T18892fs, T9827fs, T9952fs.
Identifiers: ClinVar variation 3753301 (VCV003753301.2).

ClinVar aggregate classification (germline): Likely pathogenic (1 of 4 stars; one submission).

Conditions:
Autosomal recessive limb-girdle muscular dystrophy type 2J (LGMDR10). Also called: Limb-girdle muscular dystrophy, type 2J; MUSCULAR DYSTROPHY, LIMB-GIRDLE, AUTOSOMAL RECESSIVE 10. Identifiers: Orphanet 140922, MedGen C1837342, MONDO:0012127, OMIM 608807.
Dilated cardiomyopathy 1G (CMD1G). Identifiers: Orphanet 154, MedGen C1858763, MONDO:0011400, OMIM 604145.

Submission:

Labcorp Genetics (formerly Invitae), Labcorp
Classification: Likely pathogenic for Dilated cardiomyopathy 1G; Autosomal recessive limb-girdle muscular dystrophy type 2J. Last evaluated: 2024-07-15. Review status: criteria provided, single submitter. Criteria: Invitae Variant Classification Sherloc (09022015). Collection method: clinical testing. Allele origin: germline.
Comment: This sequence change creates a premature translational stop signal (p.Thr18892Serfs*2) in the TTN gene. While this is not anticipated to result in nonsense mediated decay, it is expected to create a truncated TTN protein. This variant is not present in population databases (gnomAD no frequency). This variant has not been reported in the literature in individuals affected with TTN-related conditions. This variant is located in the A band of TTN (PMID: 25589632). Truncating variants in this region are significantly overrepresented in patients affected with dilated cardiomyopathy (PMID: 25589632). Truncating variants in this region have also been reported in individuals affected with autosomal recessive centronuclear myopathy (PMID: 23975875). In summary, the currently available evidence indicates that the variant is pathogenic, but additional data are needed to prove that conclusively. Therefore, this variant has been classified as Likely Pathogenic.

Literature cited by the submitters: PubMed 25589632; PubMed 23975875.